The following is an entry in ClinVar:

NM_001458.5(FLNC):c.5495G>T (p.Gly1832Val)

Genes: FLNC (filamin C; plus strand), FLNC-AS1 (FLNC antisense RNA 1; minus strand). Cytogenetic location: 7q32.1.
Variant type: single nucleotide variant.
Coding change: c.5495G>T on transcript NM_001458.5 (MANE Select); coding-DNA position 5495, G replaced by T.
Protein change: p.Gly1832Val; replaces glycine 1832 with valine.
Molecular consequence: missense variant.
Genome position (GRCh38, 1-based): chr7:128,850,899, G>T. VCF-style: chr7-128850899-G-T. GRCh37 (hg19) VCF-style: chr7-128490953-G-T.
Other names: c.5396G>T, p.Gly1799Val (NM_001127487.2); short protein forms G1832V, G1799V.
Identifiers: ClinVar variation 1045301 (VCV001045301.9), dbSNP rs1808780127, ClinGen allele CA369206894.

ClinVar aggregate classification (germline): Uncertain significance (1 of 4 stars; one submission).

Conditions:
Myofibrillar myopathy 5. Also called: Filaminopathy (type); FILAMINOPATHY, AUTOSOMAL DOMINANT. Identifiers: Orphanet 171445, MedGen C1836050, MONDO:0012289, OMIM 609524.
Distal myopathy with posterior leg and anterior hand involvement. Also called: WILLIAMS DISTAL MYOPATHY. Identifiers: Orphanet 63273, MedGen C3279722, MONDO:0013550, OMIM 614065.
Hypertrophic cardiomyopathy 26. Also called: Cardiomyopathy, familial hypertrophic, 26. Identifiers: Orphanet 75249, MedGen C4310749, MONDO:0014883, OMIM 617047.

Submission:

Labcorp Genetics (formerly Invitae), Labcorp
Classification: Uncertain significance for Distal myopathy with posterior leg and anterior hand involvement; Myofibrillar myopathy 5; Hypertrophic cardiomyopathy 26. Last evaluated: 2020-04-19. Review status: criteria provided, single submitter. Criteria: Invitae Variant Classification Sherloc (09022015). Collection method: clinical testing. Allele origin: germline.
Comment: Algorithms developed to predict the effect of missense changes on protein structure and function are either unavailable or do not agree on the potential impact of this missense change (SIFT: "Deleterious"; PolyPhen-2: "Probably Damaging"; Align-GVGD: "Class C0"). This variant has not been reported in the literature in individuals with FLNC-related conditions. This variant is not present in population databases (ExAC no frequency). This sequence change replaces glycine with valine at codon 1832 of the FLNC protein (p.Gly1832Val). The glycine residue is highly conserved and there is a moderate physicochemical difference between glycine and valine. In summary, the available evidence is currently insufficient to determine the role of this variant in disease. Therefore, it has been classified as a Variant of Uncertain Significance.